The following is an entry in ClinVar:

ClinVar aggregate classification (germline): Pathogenic. Review status: criteria provided, multiple submitters, no conflicts (2 of 4 stars). 2 submissions from 2 submitters: Pathogenic (2). Last evaluated 2025-02-27.

Conditions:
Retinitis pigmentosa 54 (RP54). Identifiers: Orphanet 791, MedGen C3150691, MONDO:0013263, OMIM 613428.
Retinal disorder. Also called: Retinopathy; Retinopathies; Retinal Diseases; Retinal disorders. Identifiers: MedGen C0035309, MONDO:0005283, HP:0000488.

Submissions (2):

3billion
Classification: Pathogenic for Retinitis pigmentosa 54. Last evaluated: 2025-02-27. Review status: criteria provided, single submitter. Criteria: ACMG Guidelines, 2015. Collection method: clinical testing. Allele origin: germline. Affected: yes.
Comment: The variant is observed at an extremely low frequency in the gnomAD v4.1.0 dataset (total allele frequency: <0.001%). Predicted Consequence/Location: Frameshift: predicted to result in a loss or disruption of normal protein function through nonsense-mediated decay (NMD) or protein truncation. Multiple pathogenic variants are reported downstream of the variant. The variant has been reported as of uncertain significance (PMID: 31964843). Therefore, this variant is classified as Pathogenic according to the recommendation of ACMG/AMP guideline.

North West Genomic Laboratory Hub, Manchester University NHS Foundation Trust
Classification: Pathogenic for Retinal disorders. Last evaluated: 2025-02-18. Review status: criteria provided, single submitter. Criteria: ACGS Best Practice Guidelines for Variant Classification in Rare Disease 2024. Collection method: clinical testing. Allele origin: germline. Affected: yes.
Comment: PVS1_VStr PM2_Mod PM3_Supp

NM_001029883.3(PCARE):c.770_774del (p.Lys257fs)

Gene: PCARE (photoreceptor cilium actin regulator; minus strand). Cytogenetic location: 2p23.2.
Variant type: Deletion.
Coding change: c.770_774del on transcript NM_001029883.3 (MANE Select); coding-DNA positions 770 to 774, 5 bases deleted (AAAGA; older notation c.770_774delAAAGA).
Protein change: p.Lys257fs; shifts the reading frame from lysine 257.
Molecular consequence: frameshift variant.
Genome position (GRCh38, 1-based): chr2:29,073,488-29,073,492, TCTTT deleted on the plus strand (AAAGA on the coding strand, the reverse complement: PCARE is on the minus strand); deleting any 5 consecutive bases within chr2:29,073,488-29,073,496 gives the same sequence; the c. name uses the placement nearest the transcript's 3' end. VCF-style (leftmost placement, unchanged base first): chr2-29073487-CTCTTT-C. GRCh37 (hg19) VCF-style: chr2-29296353-CTCTTT-C.
Other names: short protein forms K257fs.
Identifiers: ClinVar variation 4292812 (VCV004292812.2).